The following is an entry in ClinVar:

ClinVar aggregate classification (germline): Uncertain significance (1 of 4 stars; one submission).

Conditions:
Catecholaminergic polymorphic ventricular tachycardia 1. Also called: RYR2-Related Catecholaminergic Polymorphic Ventricular Tachycardia; VENTRICULAR TACHYCARDIA, STRESS-INDUCED POLYMORPHIC 1; VENTRICULAR TACHYCARDIA, CATECHOLAMINERGIC POLYMORPHIC, 1, WITH OR WITHOUT ATRIAL DYSFUNCTION AND/OR DILATED CARDIOMYOPATHY. Identifiers: Orphanet 3286, MedGen C1631597, MONDO:0011484, OMIM 604772.

Submission:

Labcorp Genetics (formerly Invitae), Labcorp
Classification: Uncertain significance for Catecholaminergic polymorphic ventricular tachycardia 1. Last evaluated: 2022-04-07. Review status: criteria provided, single submitter. Criteria: Invitae Variant Classification Sherloc (09022015). Collection method: clinical testing. Allele origin: germline.
Comment: This variant results in a copy number gain of the genomic region encompassing exon(s) 77-105 of the RYR2 gene. This region includes the termination codon of the gene. This copy number gain extends beyond the assayed region for this gene and therefore may encompass additional genes. As the precise location of this event is unknown, it may be in tandem or it may be located elsewhere in the genome. This variant has not been reported in the literature in individuals affected with RYR2-related conditions. In summary, the available evidence is currently insufficient to determine the role of this variant in disease. Therefore, it has been classified as a Variant of Uncertain Significance.

NC_000001.10:g.(?_237893540)_(237995947_?)dup

Gene: RYR2 (ryanodine receptor 2; plus strand). Cytogenetic location: 1q43.
Variant type: Duplication.
Identifiers: ClinVar variation 1410050 (VCV001410050.42).